The following is an entry in ClinVar:

ClinVar aggregate classification (germline): Uncertain significance. Review status: criteria provided, multiple submitters, no conflicts (2 of 4 stars). 2 submissions from 2 submitters: Uncertain significance (2). Last evaluated 2025-08-12.

Conditions:
Inborn genetic diseases. Identifiers: MedGen C0950123, MeSH D030342.

Allele frequency attached by ClinVar (database versions not stated): TOPMed below 0.00001.
gnomAD v4.1: 2 of 1,612,206 alleles (0.00012%); highest among the groups gnomAD compares: East Asian, 0.0022%; no homozygotes.

Submissions (2):

Ambry Genetics
Classification: Uncertain significance for Inborn genetic diseases. Last evaluated: 2025-08-12. Review status: criteria provided, single submitter. Criteria: Ambry Variant Classification Scheme 2023. Collection method: clinical testing. Allele origin: germline.

Labcorp Genetics (formerly Invitae), Labcorp
Classification: Uncertain significance. Last evaluated: 2022-07-19. Review status: criteria provided, single submitter. Criteria: Invitae Variant Classification Sherloc (09022015). Collection method: clinical testing. Allele origin: germline.
Comment: This variant has not been reported in the literature in individuals affected with TBCK-related conditions. This variant is not present in population databases (gnomAD no frequency). This sequence change replaces serine, which is neutral and polar, with asparagine, which is neutral and polar, at codon 274 of the TBCK protein (p.Ser274Asn). ClinVar contains an entry for this variant (Variation ID: 1396571). In summary, the available evidence is currently insufficient to determine the role of this variant in disease. Therefore, it has been classified as a Variant of Uncertain Significance. Algorithms developed to predict the effect of missense changes on protein structure and function output the following: SIFT: "Tolerated"; PolyPhen-2: "Benign"; Align-GVGD: "Class C0". The asparagine amino acid residue is found in multiple mammalian species, which suggests that this missense change does not adversely affect protein function.

NM_001163435.3(TBCK):c.821G>A (p.Ser274Asn)

Gene: TBCK (TBC1 domain containing kinase; minus strand). Cytogenetic location: 4q24.
Variant type: single nucleotide variant.
Coding change: c.821G>A on transcript NM_001163435.3 (MANE Select); coding-DNA position 821, G replaced by A.
Protein change: p.Ser274Asn; replaces serine 274 with asparagine.
Molecular consequence: missense variant.
Genome position (GRCh38, 1-based): chr4:106,247,249, C>T on the plus strand (G>A on the coding strand, the complement: TBCK is on the minus strand). VCF-style: chr4-106247249-C-T. GRCh37 (hg19) VCF-style: chr4-107168406-C-T.
Other names: c.821G>A (NM_001163435.1); c.821G>A, p.Ser274Asn (NM_001163436.4); c.704G>A, p.Ser235Asn (NM_001163437.3); c.305G>A, p.Ser102Asn (NM_001290768.2); c.632G>A, p.Ser211Asn (NM_033115.5); short protein forms S211N, S235N, S274N, S102N.
Identifiers: ClinVar variation 1396571 (VCV001396571.7), dbSNP rs1170131117, ClinGen allele CA357824826.